The following is an entry in ClinVar:

NM_213599.3(ANO5):c.1680del (p.Met560fs)

Gene: ANO5 (anoctamin 5; plus strand). Cytogenetic location: 11p14.3.
Variant type: Deletion.
Coding change: c.1680del on transcript NM_213599.3 (MANE Select); coding-DNA position 1680, one base deleted (G; older notation c.1680delG).
Protein change: p.Met560fs; shifts the reading frame from methionine 560.
Molecular consequence: frameshift variant.
Genome position (GRCh38, 1-based): chr11:22,262,178, G deleted. VCF-style (leftmost placement, unchanged base first): chr11-22262177-TG-T. GRCh37 (hg19) VCF-style: chr11-22283723-TG-T.
Other names: c.1677del, p.Met559fs (NM_001142649.2); c.1638delG, p.Met546Ilefs (NM_001410963.1); c.1635delG, p.Met545Ilefs (NM_001410964.1); short protein forms M560fs, M559fs.
Identifiers: ClinVar variation 2102369 (VCV002102369.4), dbSNP rs2494318394, ClinGen allele CA2580082878.
Genomic context (GRCh38, chr11:22,262,177, plus strand): 5'-TTAACTTAACAGAAATTCCTCGAACATACCAGGAGTATGAGAGCAGTCTTACCTTGAAAA[TG>T]TTCCTGTTTCAGTTTGTAAATTTTTACTCATCCTGCTTCTACGTAGCTTTCTTTAAAGGG-3'

ClinVar aggregate classification (germline): Pathogenic (1 of 4 stars; one submission).

Conditions:
Gnathodiaphyseal dysplasia (GDD). Also called: GNATHODIAPHYSEAL SCLEROSIS; OSTEOGENESIS IMPERFECTA WITH UNUSUAL SKELETAL LESIONS. Identifiers: Orphanet 53697, MedGen C1833736, MONDO:0008151, OMIM 166260.
Autosomal recessive limb-girdle muscular dystrophy type 2L (LGMDR12). Also called: Limb-girdle muscular dystrophy, type 2L; MUSCULAR DYSTROPHY, LIMB-GIRDLE, AUTOSOMAL RECESSIVE 12; Limb-Girdle Muscular Dystrophy R12 Anoctamin-5-Related (LGMD-R12). Identifiers: Orphanet 206549, MedGen C1969785, MONDO:0012652, OMIM 611307.

Submission:

Labcorp Genetics (formerly Invitae), Labcorp
Classification: Pathogenic for Autosomal recessive limb-girdle muscular dystrophy type 2L; Gnathodiaphyseal dysplasia. Last evaluated: 2022-02-23. Review status: criteria provided, single submitter. Criteria: Invitae Variant Classification Sherloc (09022015). Collection method: clinical testing. Allele origin: germline.
Comment: This sequence change creates a premature translational stop signal (p.Met560Ilefs*7) in the ANO5 gene. It is expected to result in an absent or disrupted protein product. Loss-of-function variants in ANO5 are known to be pathogenic (PMID: 21186264, 23606453, 25891276, 30919934). This variant is not present in population databases (gnomAD no frequency). This variant has not been reported in the literature in individuals affected with ANO5-related conditions. Algorithms developed to predict the effect of sequence changes on RNA splicing suggest that this variant may disrupt the consensus splice site. For these reasons, this variant has been classified as Pathogenic.

Literature cited by the submitters: PubMed 21186264; PubMed 23606453; PubMed 25891276; PubMed 30919934.